The following is an entry in ClinVar:

NM_001378120.1(MBD5):c.4811C>T (p.Ser1604Phe)

Gene: MBD5 (methyl-CpG binding domain protein 5; plus strand). Cytogenetic location: 2q23.1.
Variant type: single nucleotide variant.
Coding change: c.4811C>T on transcript NM_001378120.1 (MANE Select); coding-DNA position 4811, C replaced by T.
Protein change: p.Ser1604Phe; replaces serine 1604 with phenylalanine.
Molecular consequence: missense variant.
Genome position (GRCh38, 1-based): chr2:148,490,443, C>T. VCF-style: chr2-148490443-C-T. GRCh37 (hg19) VCF-style: chr2-149248012-C-T.
Other names: c.4112C>T, p.Ser1371Phe (NM_018328.5); short protein forms S1371F, S1604F.
Identifiers: ClinVar variation 1056781 (VCV001056781.9), dbSNP rs774820392, ClinGen allele CA1900465.
Genomic context (GRCh38, chr2:148,490,443, plus strand): 5'-GCCCTTCAGATGCTAAAAGCATTAGTAGTGAAGATGACCTAAGGAACCCAGACTCCCCCT[C>T]TTCAAATGAATTGATACATTATAGACCAAGGACGTTCAATGTTGGCGACTTGGTCTGGGG-3'
Protein context (NP_001365049.1, residues 1594-1614): EDDLRNPDSP[Ser1604Phe]SNELIHYRPR

ClinVar aggregate classification (germline): Uncertain significance (1 of 4 stars; one submission).

Conditions:
Intellectual developmental disorder, autosomal dominant 1. Also called: Intellectual disability, autosomal dominant 1; MBD5 Haploinsufficiency. Identifiers: Orphanet 228402, MedGen C1969562, MONDO:0007974, OMIM 156200.

Allele frequency attached by ClinVar (database versions not stated): gnomAD exomes 0.00001 and below 0.00001; TOPMed 0.00001; ExAC 0.00002; gnomAD 0.00002.
gnomAD v4.1: 6 of 1,614,048 alleles (0.00037%); highest among the groups gnomAD compares: African/African-American, 0.004%; no homozygotes.

Submission:

Labcorp Genetics (formerly Invitae), Labcorp
Classification: Uncertain significance for Intellectual developmental disorder, autosomal dominant 1. Last evaluated: 2020-07-12. Review status: criteria provided, single submitter. Criteria: Invitae Variant Classification Sherloc (09022015). Collection method: clinical testing. Allele origin: germline.
Comment: In summary, the available evidence is currently insufficient to determine the role of this variant in disease. Therefore, it has been classified as a Variant of Uncertain Significance. This variant has not been reported in the literature in individuals with MBD5-related conditions. This variant is present in population databases (rs774820392, ExAC 0.02%). This sequence change replaces serine with phenylalanine at codon 1371 of the MBD5 protein (p.Ser1371Phe). The serine residue is highly conserved and there is a large physicochemical difference between serine and phenylalanine.